The following is an entry in ClinVar:

ClinVar aggregate classification (germline): Uncertain significance. Review status: criteria provided, multiple submitters, no conflicts (2 of 4 stars). 4 submissions from 4 submitters: Uncertain significance (3). 1 of the submissions does not count toward it. Last evaluated 2026-07-01.

Conditions:
Glycogen storage disease, type II (IOPD). Also called: GLYCOGENOSIS, GENERALIZED, CARDIAC FORM; GSD II; POMPE DISEASE, INFANTILE-ONSET; GLYCOGEN STORAGE DISEASE II, INFANTILE-ONSET; ACID ALPHA-GLUCOSIDASE DEFICIENCY, INFANTILE-ONSET; GAA DEFICIENCY, INFANTILE-ONSET. Identifiers: Orphanet 365, MedGen C0017921, MONDO:0009290, OMIM 232300.

Allele frequency attached by ClinVar (database versions not stated): ExAC 0.00003; gnomAD 0.00003; TOPMed 0.00003; ESP Exome Variant Server 0.00008; 1000 Genomes Project 30x 0.00016; 1000 Genomes Project 0.00020.

Submissions (4):

Genomenon, Inc
Classification: Uncertain significance for Glycogen storage disease, type II. Last evaluated: 2026-07-01. Review status: criteria provided, single submitter. Criteria: Genomenon Sequence Variant Interpretation Standards - Updated. Collection method: curation. Allele origin: germline. Affected: no.
Comment: GAA p.Gly473Ser (c.1417G>A) is a missense variant that changes the amino acid at codon 473 from Glycine to Serine. This variant has been reported in the published literature (PMID:30281819). It is absent or not present at a significant frequency in gnomAD. In conclusion, we classify GAA p.Gly473Ser (c.1417G>A) as a variant of uncertain significance.

Women's Health and Genetics/Laboratory Corporation of America, LabCorp
Classification: Uncertain significance. Last evaluated: 2025-12-30. Review status: criteria provided, single submitter. Criteria: LabCorp Variant Classification Summary - May 2015. Collection method: clinical testing. Allele origin: germline.
Comment: Variant summary: GAA c.1417G>A (p.Gly473Ser) results in a non-conservative amino acid change in the encoded protein sequence. Algorithms developed to predict the effect of missense changes on protein structure and function all suggest that this variant is likely to be disruptive. The variant allele was found at a frequency of 1.2e-05 in 248930 control chromosomes. The available data on variant occurrences in the general population are insufficient to allow any conclusion about variant significance. c.1417G>A has been observed as a VUS with a non-informative genotype in settings of multigene panel analysis of individual(s) suspected to be affected with Glycogen Storage Disease, Type 2 (Pompe Disease) (example, Bevilacqua_2024, Balendran-Braun_2024). These report(s) do not provide unequivocal conclusions about association of the variant with Glycogen Storage Disease, Type 2 (Pompe Disease). To our knowledge, no experimental evidence demonstrating an impact on protein function has been reported. The following publications have been ascertained in the context of this evaluation (PMID: 39678382, 40225932). ClinVar contains an entry for this variant (Variation ID: 456377). Based on the evidence outlined above, the variant was classified as uncertain significance.

Labcorp Genetics (formerly Invitae), Labcorp
Classification: Uncertain significance for Glycogen storage disease, type II. Last evaluated: 2022-06-04. Review status: criteria provided, single submitter. Criteria: Invitae Variant Classification Sherloc (09022015). Collection method: clinical testing. Allele origin: germline.
Comment: This sequence change replaces glycine, which is neutral and non-polar, with serine, which is neutral and polar, at codon 473 of the GAA protein (p.Gly473Ser). This variant is present in population databases (rs201409613, gnomAD 0.006%). This variant has not been reported in the literature in individuals affected with GAA-related conditions. ClinVar contains an entry for this variant (Variation ID: 456377). Advanced modeling of protein sequence and biophysical properties (such as structural, functional, and spatial information, amino acid conservation, physicochemical variation, residue mobility, and thermodynamic stability) performed at Invitae indicates that this missense variant is expected to disrupt GAA protein function. In summary, the available evidence is currently insufficient to determine the role of this variant in disease. Therefore, it has been classified as a Variant of Uncertain Significance.

Natera, Inc.
Classification: Uncertain significance for Glycogen storage disease type II. Last evaluated: 2020-09-18. Review status: no assertion criteria provided. Collection method: clinical testing. Allele origin: germline. Not counted in ClinVar's aggregate classification.

Literature cited by the submitters: PubMed 30281819 (cited by Genomenon, Inc); PubMed 40225932 (cited by Women's Health and Genetics/Laboratory Corporation of America, LabCorp); PubMed 39678382 (cited by Women's Health and Genetics/Laboratory Corporation of America, LabCorp).

NM_000152.5(GAA):c.1417G>A (p.Gly473Ser)

Gene: GAA (alpha glucosidase; plus strand). Cytogenetic location: 17q25.3.
Variant type: single nucleotide variant.
Coding change: c.1417G>A on transcript NM_000152.5 (MANE Select); coding-DNA position 1417, G replaced by A.
Protein change: p.Gly473Ser; replaces glycine 473 with serine.
Molecular consequence: missense variant.
Genome position (GRCh38, 1-based): chr17:80,110,035, G>A. VCF-style: chr17-80110035-G-A. GRCh37 (hg19) VCF-style: chr17-78083834-G-A.
Other names: c.1417G>A, p.Gly473Ser (NM_001079803.3, NM_001079804.3); c.1417G>A (LRG_673t1); short protein forms G473S.
Identifiers: ClinVar variation 456377 (VCV000456377.11), dbSNP rs201409613, ClinGen allele CA8815313.